The following is an entry in ClinVar:

NM_000742.4(CHRNA2):c.676T>A (p.Trp226Arg)

Gene: CHRNA2 (cholinergic receptor nicotinic alpha 2 subunit; minus strand). Cytogenetic location: 8p21.2.
Variant type: single nucleotide variant.
Coding change: c.676T>A on transcript NM_000742.4 (MANE Select); coding-DNA position 676, T replaced by A.
Protein change: p.Trp226Arg; replaces tryptophan 226 with arginine.
Molecular consequence: missense variant.
Genome position (GRCh38, 1-based): chr8:27,463,767, A>T on the plus strand (T>A on the coding strand, the complement: CHRNA2 is on the minus strand). VCF-style: chr8-27463767-A-T. GRCh37 (hg19) VCF-style: chr8-27321284-A-T.
Other names: c.631T>A, p.Trp211Arg (NM_001282455.2); c.199T>A, p.Trp67Arg (NM_001347705.2, NM_001347706.2); c.82T>A, p.Trp28Arg (NM_001347707.2, NM_001347708.2); c.676T>A (NM_000742.3); short protein forms W211R, W226R, W28R, W67R.
Identifiers: ClinVar variation 1721114 (VCV001721114.6), dbSNP rs1259563937, ClinGen allele CA370811068.

ClinVar aggregate classification (germline): Uncertain significance. Review status: criteria provided, multiple submitters, no conflicts (2 of 4 stars). 2 submissions from 2 submitters: Uncertain significance (2). Last evaluated 2023-09-04.

Conditions:
Familial sleep-related hypermotor epilepsy. Also called: Autosomal Dominant Sleep-Related Hypermotor (Hyperkinetic) Epilepsy. Identifiers: Orphanet 98784, MedGen C3696898, MONDO:0000030.

Allele frequency attached by ClinVar (database versions not stated): TOPMed below 0.00001; gnomAD 0.00001.
gnomAD v4.1: 2 of 1,614,028 alleles (0.00012%); highest among the groups gnomAD compares: Non-Finnish European, 0.000085%; no homozygotes.

Submissions (2):

GeneDx
Classification: Uncertain significance. Last evaluated: 2023-09-04. Review status: criteria provided, single submitter. Criteria: GeneDx Variant Classification Process June 2021. Collection method: clinical testing. Allele origin: germline. Affected: yes.
Comment: Not observed at significant frequency in large population cohorts (gnomAD); In silico analysis supports that this missense variant has a deleterious effect on protein structure/function; Has not been previously published as pathogenic or benign to our knowledge

Labcorp Genetics (formerly Invitae), Labcorp
Classification: Uncertain significance. Last evaluated: 2022-12-30. Review status: criteria provided, single submitter. Criteria: Invitae Variant Classification Sherloc (09022015). Collection method: clinical testing. Allele origin: germline.
Comment: This variant has not been reported in the literature in individuals affected with CHRNA2-related conditions. In summary, the available evidence is currently insufficient to determine the role of this variant in disease. Therefore, it has been classified as a Variant of Uncertain Significance. Advanced modeling of protein sequence and biophysical properties (such as structural, functional, and spatial information, amino acid conservation, physicochemical variation, residue mobility, and thermodynamic stability) performed at Invitae indicates that this missense variant is expected to disrupt CHRNA2 protein function. ClinVar contains an entry for this variant (Variation ID: 1721114). This variant is not present in population databases (gnomAD no frequency). This sequence change replaces tryptophan, which is neutral and slightly polar, with arginine, which is basic and polar, at codon 226 of the CHRNA2 protein (p.Trp226Arg).